The following is an entry in ClinVar:

ClinVar aggregate classification (germline): Uncertain significance. Review status: criteria provided, multiple submitters, no conflicts (2 of 4 stars). 4 submissions from 4 submitters: Uncertain significance (4). Last evaluated 2026-07-01.

Conditions:
PCNT-related disorder. Also called: PCNT-related condition.
Inborn genetic diseases. Identifiers: MedGen C0950123, MeSH D030342.

Allele frequency attached by ClinVar (database versions not stated): gnomAD exomes below 0.00001 and 0.00001; gnomAD 0.00001; ExAC 0.00002; 1000 Genomes Project 30x 0.00016; 1000 Genomes Project 0.00020.

Submissions (4):

CeGaT Center for Human Genetics Tuebingen
Classification: Uncertain significance. Last evaluated: 2026-07-01. Review status: criteria provided, single submitter. Criteria: CeGaT Center For Human Genetics Tuebingen Variant Classification Criteria Version 2. Collection method: clinical testing. Allele origin: germline. Affected: yes. Observed: 1 variant allele.
Comment: PCNT: PM2, BP4

PreventionGenetics, part of Exact Sciences
Classification: Uncertain significance for PCNT-related condition. Last evaluated: 2026-03-11. Review status: criteria provided, single submitter. Criteria: ACMG Guidelines, 2015. Collection method: clinical testing. Allele origin: germline.
Comment: The PCNT c.767A>G variant is predicted to result in the amino acid substitution p.Asn256Ser. To our knowledge, this variant has not been reported in the literature. This variant is reported in 0.0036% of alleles in individuals of South Asian descent in gnomAD. At this time, the clinical significance of this variant is uncertain due to the absence of conclusive functional and genetic evidence.

Ambry Genetics
Classification: Uncertain significance for Inborn genetic diseases. Last evaluated: 2024-08-19. Review status: criteria provided, single submitter. Criteria: Ambry Variant Classification Scheme 2023. Collection method: clinical testing. Allele origin: germline.

Labcorp Genetics (formerly Invitae), Labcorp
Classification: Uncertain significance. Last evaluated: 2022-01-13. Review status: criteria provided, single submitter. Criteria: Invitae Variant Classification Sherloc (09022015). Collection method: clinical testing. Allele origin: germline.
Comment: This sequence change replaces asparagine, which is neutral and polar, with serine, which is neutral and polar, at codon 256 of the PCNT protein (p.Asn256Ser). This variant is present in population databases (rs559025459, gnomAD 0.004%). This variant has not been reported in the literature in individuals affected with PCNT-related conditions. Algorithms developed to predict the effect of missense changes on protein structure and function are either unavailable or do not agree on the potential impact of this missense change (SIFT: "Deleterious"; PolyPhen-2: "Possibly Damaging"; Align-GVGD: "Class C0"). In summary, the available evidence is currently insufficient to determine the role of this variant in disease. Therefore, it has been classified as a Variant of Uncertain Significance.

NM_006031.6(PCNT):c.767A>G (p.Asn256Ser)

Gene: PCNT (pericentrin; plus strand). Cytogenetic location: 21q22.3.
Variant type: single nucleotide variant.
Coding change: c.767A>G on transcript NM_006031.6 (MANE Select); coding-DNA position 767, A replaced by G.
Protein change: p.Asn256Ser; replaces asparagine 256 with serine.
Molecular consequence: missense variant.
Genome position (GRCh38, 1-based): chr21:46,346,789, A>G. VCF-style: chr21-46346789-A-G. GRCh37 (hg19) VCF-style: chr21-47766703-A-G.
Other names: c.767A>G (NM_006031.5); c.413A>G, p.Asn138Ser (NM_001315529.2); short protein forms N138S, N256S.
Identifiers: ClinVar variation 1366163 (VCV001366163.6), dbSNP rs559025459, ClinGen allele CA10078408.